The following is an entry in ClinVar:

ClinVar aggregate classification (germline): Likely benign. Review status: criteria provided, multiple submitters, no conflicts (2 of 4 stars). 2 submissions from 2 submitters: Likely benign (2). Last evaluated 2025-02-24.

Conditions:
Progressive myoclonic epilepsy. Also called: Familial progressive myoclonic epilepsy; Myoclonus epilepsy; Progressive myoclonus epilepsy; Myoclonic Epilepsies, Progressive. Identifiers: Orphanet 308, Orphanet 98261, MedGen C0751778, MONDO:0020074.

Allele frequency attached by ClinVar (database versions not stated): gnomAD exomes 0.00002 and 0.00003; ExAC 0.00003; gnomAD 0.00003 and 0.00004; TOPMed 0.00004; 1000 Genomes Project 30x 0.00016; 1000 Genomes Project 0.00020.
gnomAD v4.1: 38 of 1,614,164 alleles (0.0024%); highest among the groups gnomAD compares: South Asian, 0.018%; no homozygotes.

Submissions (2):

Labcorp Genetics (formerly Invitae), Labcorp
Classification: Likely benign for Progressive myoclonic epilepsy. Last evaluated: 2025-02-24. Review status: criteria provided, single submitter. Criteria: Invitae Variant Classification Sherloc (09022015). Collection method: clinical testing. Allele origin: germline.

GeneDx
Classification: Likely benign. Last evaluated: 2016-11-02. Review status: criteria provided, single submitter. Criteria: GeneDx Variant Classification (06012015). Collection method: clinical testing. Allele origin: germline. Affected: yes.
Comment: This variant is considered likely benign or benign based on one or more of the following criteria: it is a conservative change, it occurs at a poorly conserved position in the protein, it is predicted to be benign by multiple in silico algorithms, and/or has population frequency not consistent with disease.

NM_005670.4(EPM2A):c.801C>T (p.Asn267=)

Gene: EPM2A (EPM2A glucan phosphatase, laforin; minus strand). Cytogenetic location: 6q24.3.
Variant type: single nucleotide variant.
Coding change: c.801C>T on transcript NM_005670.4 (MANE Select); coding-DNA position 801, C replaced by T.
Protein change: p.Asn267=; no amino-acid change (asparagine 267 retained).
Molecular consequence: synonymous variant. On other transcripts: missense variant (1), non-coding transcript variant (1).
Genome position (GRCh38, 1-based): chr6:145,627,611, G>A on the plus strand (C>T on the coding strand, the complement: EPM2A is on the minus strand). VCF-style: chr6-145627611-G-A. GRCh37 (hg19) VCF-style: chr6-145948747-G-A.
Other names: c.801C>T, p.Asn267= (NM_001018041.2); c.559C>T, p.Arg187Cys (NM_001360057.2); c.387C>T, p.Asn129= (NM_001360064.2, NM_001360071.2, NM_001368131.1); c.339C>T, p.Asn113= (NM_001368129.2, NM_001368132.1); short protein forms R187C.
Identifiers: ClinVar variation 390520 (VCV000390520.10), dbSNP rs181746165, ClinGen allele CA4035074.